The following is an entry in ClinVar:

NM_022132.5(MCCC2):c.1575-5G>T

Gene: MCCC2 (methylcrotonyl-CoA carboxylase subunit 2; plus strand). Cytogenetic location: 5q13.2.
Variant type: single nucleotide variant.
Coding change: c.1575-5G>T on transcript NM_022132.5 (MANE Select); 5 bases into the intron before coding-DNA position 1575, G replaced by T.
Molecular consequence: intron variant.
Genome position (GRCh38, 1-based): chr5:71,656,738, G>T. VCF-style: chr5-71656738-G-T. GRCh37 (hg19) VCF-style: chr5-70952565-G-T.
Other names: c.1461-5G>T (NM_001363147.1).
Identifiers: ClinVar variation 1083791 (VCV001083791.10), dbSNP rs924068629, ClinGen allele CA120008590.

ClinVar aggregate classification (germline): Conflicting classifications of pathogenicity. Review status: criteria provided, conflicting classifications (1 of 4 stars). 2 submissions from 2 submitters: Uncertain significance (1); Likely benign (1). Last evaluated 2024-12-10.

Conditions:
3-methylcrotonyl-CoA carboxylase 2 deficiency. Also called: 3 alpha methylcrotonyl-CoA carboxylase 2 deficiency; 3 alpha methylcrotonylglycinuria 2; MCC 2 deficiency; Methylcrotonylglycinuria type 2; METHYLCROTONYLGLYCINURIA, TYPE II. Identifiers: Orphanet 6, MedGen C1859499, MONDO:0008862, OMIM 210210.

Allele frequency attached by ClinVar (database versions not stated): gnomAD exomes below 0.00001 and 0.00001.

Submissions (2):

Women's Health and Genetics/Laboratory Corporation of America, LabCorp
Classification: Uncertain significance. Last evaluated: 2024-12-10. Review status: criteria provided, single submitter. Criteria: LabCorp Variant Classification Summary - May 2015. Collection method: clinical testing. Allele origin: germline.
Comment: Variant summary: MCCC2 c.1575-5G>T alters a non-conserved nucleotide located close to a canonical splice site and therefore could affect mRNA splicing, leading to a significantly altered protein sequence. Consensus agreement among computation tools predict no significant impact on normal splicing. However, these predictions have yet to be confirmed by functional studies. The variant allele was found at a frequency of 4e-06 in 251416 control chromosomes (gnomAD). The available data on variant occurrences in the general population are insufficient to allow any conclusion about variant significance. To our knowledge, no occurrence of c.1575-5G>T in individuals affected with Methylcrotonyl-CoA Carboxylase Deficiency and no experimental evidence demonstrating its impact on protein function have been reported. ClinVar contains an entry for this variant (Variation ID: 1083791). Based on the evidence outlined above, the variant was classified as uncertain significance.

Labcorp Genetics (formerly Invitae), Labcorp
Classification: Likely benign for 3-methylcrotonyl-CoA carboxylase 2 deficiency. Last evaluated: 2024-08-30. Review status: criteria provided, single submitter. Criteria: Invitae Variant Classification Sherloc (09022015). Collection method: clinical testing. Allele origin: germline.